The following is an entry in ClinVar:

ClinVar aggregate classification (germline): Likely benign (1 of 4 stars; one submission).

Allele frequency attached by ClinVar (database versions not stated): ExAC 0.00003; gnomAD 0.00005; ESP Exome Variant Server 0.00015.

Submission:

CeGaT Center for Human Genetics Tuebingen
Classification: Likely benign. Last evaluated: 2022-04-01. Review status: criteria provided, single submitter. Criteria: CeGaT Center For Human Genetics Tuebingen Variant Classification Criteria Version 2. Collection method: clinical testing. Allele origin: germline. Affected: yes. Observed: 1 variant allele.
Comment: KRT78: BP4, BP7

NM_173352.4(KRT78):c.639C>T (p.Asn213=)

Gene: KRT78 (keratin 78; minus strand). Cytogenetic location: 12q13.13.
Variant type: single nucleotide variant.
Coding change: c.639C>T on transcript NM_173352.4 (MANE Select); coding-DNA position 639, C replaced by T.
Protein change: p.Asn213=; no amino-acid change (asparagine 213 retained).
Molecular consequence: synonymous variant.
Genome position (GRCh38, 1-based): chr12:52,846,785, G>A on the plus strand (C>T on the coding strand, the complement: KRT78 is on the minus strand). VCF-style: chr12-52846785-G-A. GRCh37 (hg19) VCF-style: chr12-53240569-G-A.
Other names: c.309C>T, p.Asn103= (NM_001300814.1).
Identifiers: ClinVar variation 2643035 (VCV002643035.24), dbSNP rs148650209, ClinGen allele CA6589925.
Genomic context (GRCh38, chr12:52,846,785, plus strand): 5'-TGCTCAGAACGTAAGTGGAGCACTGGCCCCCACCCTCACCTTCTTGAGGACCACAAAGTC[G>A]TTCTCAAGTGTGGCACGCCTGTGGGCCTCCTCCTCATACCTGCCAAATAAGTAGAGAAGG-3'
Protein context (NP_775487.2, residues 203-223): EEAHRRATLE[Asn213=]DFVVLKKDVD